The following is an entry in ClinVar:

ClinVar aggregate classification (germline): Likely pathogenic. Review status: criteria provided, multiple submitters, no conflicts (2 of 4 stars). 2 submissions from 2 submitters: Likely pathogenic (2). Last evaluated 2025-09-06.

Conditions:
Short-rib thoracic dysplasia 13 with or without polydactyly (SRTD13). Identifiers: Orphanet 474, MedGen C4225378, MONDO:0014577, OMIM 616300.

Submissions (2):

Labcorp Genetics (formerly Invitae), Labcorp
Classification: Likely pathogenic for Short-rib thoracic dysplasia 13 with or without polydactyly. Last evaluated: 2025-09-06. Review status: criteria provided, single submitter. Criteria: Invitae Variant Classification Sherloc (09022015). Collection method: clinical testing. Allele origin: germline.
Comment: This sequence change affects a donor splice site in intron 9 of the CEP120 gene. It is expected to disrupt RNA splicing. Variants that disrupt the donor or acceptor splice site typically lead to a loss of protein function (PMID: 16199547), and loss-of-function variants in CEP120 are known to be pathogenic (PMID: 25251415, 27208211). This variant is not present in population databases (gnomAD no frequency). This variant has not been reported in the literature in individuals affected with CEP120-related conditions. ClinVar contains an entry for this variant (Variation ID: 2870301). Algorithms developed to predict the effect of sequence changes on RNA splicing suggest that this variant may disrupt the consensus splice site. In summary, the currently available evidence indicates that the variant is pathogenic, but additional data are needed to prove that conclusively. Therefore, this variant has been classified as Likely Pathogenic.

Dasa
Classification: Likely pathogenic for short-rib thoracic dysplasia 13 with or without polydactyly. Last evaluated: 2025-06-25. Review status: criteria provided, single submitter. Criteria: DASA Assertion Criteria. Collection method: clinical testing. Allele origin: germline.
Comment: NM_001375405.1(CEP120):c.1255+1G>A affects a canonical splice site and is predicted to disrupt normal RNA splicing. Loss of function is an established disease mechanism for CEP120-associated disorders. Also, this variant is absent from population databases. Based on the currently available evidence, this variant is classified as likely pathogenic.

Literature cited by the submitters: PubMed 16199547 (cited by Labcorp Genetics (formerly Invitae), Labcorp); PubMed 25251415 (cited by Labcorp Genetics (formerly Invitae), Labcorp); PubMed 27208211 (cited by Labcorp Genetics (formerly Invitae), Labcorp).

NM_001375405.1(CEP120):c.1255+1G>A

Gene: CEP120 (centrosomal protein 120; minus strand). Cytogenetic location: 5q23.2.
Variant type: single nucleotide variant.
Coding change: c.1255+1G>A on transcript NM_001375405.1 (MANE Select); the canonical splice donor site of the intron after coding-DNA position 1255, G replaced by A.
Molecular consequence: splice donor variant.
Genome position (GRCh38, 1-based): chr5:123,389,923, C>T on the plus strand (G>A on the coding strand, the complement: CEP120 is on the minus strand). VCF-style: chr5-123389923-C-T. GRCh37 (hg19) VCF-style: chr5-122725617-C-T.
Other names: c.1177+1G>A (NM_001166226.2); c.1255+1G>A (NM_153223.4, NM_001375407.1); c.682+1G>A (NM_001375408.1, NM_001375409.1); c.1120+1G>A (NM_001375406.1).
Identifiers: ClinVar variation 2870301 (VCV002870301.5), dbSNP rs2127068062, ClinGen allele CA360890678.